The following is an entry in ClinVar:

NM_025103.4(IFT74):c.966G>A (p.Met322Ile)

Gene: IFT74 (intraflagellar transport 74; plus strand). Cytogenetic location: 9p21.2.
Variant type: single nucleotide variant.
Coding change: c.966G>A on transcript NM_025103.4 (MANE Select); coding-DNA position 966, G replaced by A.
Protein change: p.Met322Ile; replaces methionine 322 with isoleucine.
Molecular consequence: missense variant.
Genome position (GRCh38, 1-based): chr9:27,018,679, G>A. VCF-style: chr9-27018679-G-A. GRCh37 (hg19) VCF-style: chr9-27018677-G-A.
Other names: c.966G>A, p.Met322Ile (NM_001099222.3, NM_001099223.3, NM_001099224.3 and 1 more transcripts); short protein forms M322I.
Identifiers: ClinVar variation 1992760 (VCV001992760.4), dbSNP rs2489493178, ClinGen allele CA373120793.

ClinVar aggregate classification (germline): Uncertain significance (1 of 4 stars; one submission).

Submission:

Labcorp Genetics (formerly Invitae), Labcorp
Classification: Uncertain significance. Last evaluated: 2022-05-10. Review status: criteria provided, single submitter. Criteria: Invitae Variant Classification Sherloc (09022015). Collection method: clinical testing. Allele origin: germline.
Comment: In summary, the available evidence is currently insufficient to determine the role of this variant in disease. Therefore, it has been classified as a Variant of Uncertain Significance. Algorithms developed to predict the effect of missense changes on protein structure and function (SIFT, PolyPhen-2, Align-GVGD) all suggest that this variant is likely to be tolerated. This variant has not been reported in the literature in individuals affected with IFT74-related conditions. This variant is not present in population databases (gnomAD no frequency). This sequence change replaces methionine, which is neutral and non-polar, with isoleucine, which is neutral and non-polar, at codon 322 of the IFT74 protein (p.Met322Ile).